The following is an entry in ClinVar:

ClinVar aggregate classification (germline): Uncertain significance (1 of 4 stars; one submission).

Conditions:
Cardiovascular phenotype. Identifiers: MedGen CN230736.

Submission:

Ambry Genetics
Classification: Uncertain significance for Cardiovascular phenotype. Last evaluated: 2024-02-25. Review status: criteria provided, single submitter. Criteria: Ambry Variant Classification Scheme 2023. Collection method: clinical testing. Allele origin: germline.
Comment: The p.E122A variant (also known as c.365A>C), located in coding exon 8 of the MFAP5 gene, results from an A to C substitution at nucleotide position 365. The glutamic acid at codon 122 is replaced by alanine, an amino acid with dissimilar properties. This amino acid position is conserved. In addition, this alteration is predicted to be deleterious by in silico analysis. Based on the available evidence, the clinical significance of this alteration remains unclear.

NM_003480.4(MFAP5):c.365A>C (p.Glu122Ala)

Gene: MFAP5 (microfibril associated protein 5; minus strand). Cytogenetic location: 12p13.31.
Variant type: single nucleotide variant.
Coding change: c.365A>C on transcript NM_003480.4 (MANE Select); coding-DNA position 365, A replaced by C.
Protein change: p.Glu122Ala; replaces glutamic acid 122 with alanine.
Molecular consequence: missense variant. On other transcripts: non-coding transcript variant (2), intron variant (1).
Genome position (GRCh38, 1-based): chr12:8,649,545, T>G on the plus strand (A>C on the coding strand, the complement: MFAP5 is on the minus strand). VCF-style: chr12-8649545-T-G. GRCh37 (hg19) VCF-style: chr12-8802141-T-G.
Other names: c.335A>C, p.Glu112Ala (NM_001297709.2); c.299A>C, p.Glu100Ala (NM_001297710.2); c.290A>C, p.Glu97Ala (NM_001297711.2); c.218-1342A>C (NM_001297712.2); short protein forms E100A, E112A, E122A, E97A.
Identifiers: ClinVar variation 3223388 (VCV003223388.1), dbSNP rs2540285958, ClinGen allele CA384038918.
Genomic context (GRCh38, chr12:8,649,545, plus strand): 5'-CCAGACATCATCTTACCTTTCATAGCTTCGTGTTCCTTACAGACAAGACGAGAGCAGATC[T>G]CCTTGTTGACGATGTACATACGTCGTAAACTGCAGACGTCCCAGTGTCATAGGCAAGGAA-3'
Protein context (NP_003471.1, residues 112-132): SLRRMYIVNK[Glu122Ala]ICSRLVCKEH